The following is an entry in ClinVar:

NM_001292063.2(OTOG):c.5753C>T (p.Ser1918Phe)

Gene: OTOG (otogelin; plus strand). Cytogenetic location: 11p15.1.
Variant type: single nucleotide variant.
Coding change: c.5753C>T on transcript NM_001292063.2 (MANE Select); coding-DNA position 5753, C replaced by T.
Protein change: p.Ser1918Phe; replaces serine 1918 with phenylalanine.
Molecular consequence: missense variant.
Genome position (GRCh38, 1-based): chr11:17,611,053, C>T. VCF-style: chr11-17611053-C-T. GRCh37 (hg19) VCF-style: chr11-17632600-C-T.
Other names: c.5789C>T, p.Ser1930Phe (NM_001277269.2); short protein forms S1918F, S1930F.
Identifiers: ClinVar variation 1693040 (VCV001693040.2), dbSNP rs866380872, ClinGen allele CA218476929.
Genomic context (GRCh38, chr11:17,611,053, plus strand): 5'-TATCTGTTGTCCCACGAAAGAGCACCACAGGGAAGGTGGCCATCCTATCCAAGCAAGTGT[C>T]TCTGCCCACTTCCATGTATGGTTCTGCAGAGGGTGGGCCCACAGAGCTCACGCCTGCTAC-3'
Protein context (NP_001278992.1, residues 1908-1928): GKVAILSKQV[Ser1918Phe]LPTSMYGSAE

ClinVar aggregate classification (germline): Uncertain significance (1 of 4 stars; one submission).

Allele frequency attached by ClinVar (database versions not stated): gnomAD exomes below 0.00001 and 0.00001; gnomAD 0.00004 and 0.00005; TOPMed 0.00005.
gnomAD v4.1: 12 of 1,550,554 alleles (0.00077%); highest among the groups gnomAD compares: African/African-American, 0.015%; no homozygotes.

Submission:

GeneDx
Classification: Uncertain significance. Last evaluated: 2022-06-16. Review status: criteria provided, single submitter. Criteria: GeneDx Variant Classification Process June 2021. Collection method: clinical testing. Allele origin: germline. Affected: yes.
Comment: In silico analysis supports that this missense variant does not alter protein structure/function; Has not been previously published as pathogenic or benign to our knowledge